The following is an entry in ClinVar:

NM_001145809.2(MYH14):c.5534G>C (p.Arg1845Pro)

Gene: MYH14 (myosin heavy chain 14; plus strand). Cytogenetic location: 19q13.33.
Variant type: single nucleotide variant.
Coding change: c.5534G>C on transcript NM_001145809.2 (MANE Select); coding-DNA position 5534, G replaced by C.
Protein change: p.Arg1845Pro; replaces arginine 1845 with proline.
Molecular consequence: missense variant.
Genome position (GRCh38, 1-based): chr19:50,301,725, G>C. VCF-style: chr19-50301725-G-C. GRCh37 (hg19) VCF-style: chr19-50804982-G-C.
Other names: c.5435G>C, p.Arg1812Pro (NM_001077186.2); c.5411G>C, p.Arg1804Pro (NM_024729.4); short protein forms R1804P, R1812P, R1845P.
Identifiers: ClinVar variation 2630314 (VCV002630314.2), dbSNP rs201040702, ClinGen allele CA406964793.

ClinVar aggregate classification (germline): Uncertain significance (0 of 4 stars; one submission).

Conditions:
MYH14-related disorder. Also called: MYH14-related condition.

gnomAD v4.1: 1 of 1,613,944 alleles (0.000062%); highest among the groups gnomAD compares: Non-Finnish European, 0.000085%; no homozygotes.

Submission:

PreventionGenetics, part of Exact Sciences
Classification: Uncertain significance for MYH14-related condition. Last evaluated: 2024-05-08. Review status: no assertion criteria provided. Collection method: clinical testing. Allele origin: germline.
Comment: The MYH14 c.5534G>C variant is predicted to result in the amino acid substitution p.Arg1845Pro. To our knowledge, this variant has not been reported in the literature. This variant is reported in 0.00089% of alleles in individuals of European (Non-Finnish) descent in gnomAD. At this time, the clinical significance of this variant is uncertain due to the absence of conclusive functional and genetic evidence.